The following is an entry in ClinVar:

ClinVar aggregate classification (germline): Uncertain significance (1 of 4 stars; one submission).

Conditions:
Cardiomyopathy (CMYO). Also called: Cardiomyopathies. Identifiers: Orphanet 167848, MedGen C0878544, MONDO:0004994, HP:0001638. Inheritance: Various modes of inheritance.

gnomAD v4.1: 1 of 1,614,050 alleles (0.000062%); highest among the groups gnomAD compares: East Asian, 0.0022%; no homozygotes.

Submission:

All of Us Research Program, National Institutes of Health
Classification: Uncertain significance for Cardiomyopathy. Last evaluated: 2024-07-29. Review status: criteria provided, single submitter. Criteria: ACMG Guidelines, 2015. Collection method: clinical testing. Allele origin: germline. Inheritance: Autosomal dominant inheritance. Observed: 1 variant allele, 1 heterozygote.
Comment: This missense variant replaces glutamic acid with glutamine at codon 9 of the TNNT2 protein. Computational prediction suggests that this variant may not impact protein structure and function (internally defined REVEL score threshold <= 0.5, PMID: 27666373). To our knowledge, functional studies have not been reported for this variant. This variant has not been reported in individuals affected with TNNT2-related disorders in the literature. This variant has not been identified in the general population by the Genome Aggregation Database (gnomAD). The available evidence is insufficient to determine the role of this variant in disease conclusively. Therefore, this variant is classified as a Variant of Uncertain Significance.

This study involves interpretation of variants in research participants for the purpose of population health screening. Participant phenotype was not available at the time of variant classification. Additional details can be found in publication PMID: 35346344, PMCID: PMC8962531

NM_001276345.2(TNNT2):c.25G>C (p.Glu9Gln)

Gene: TNNT2 (troponin T2, cardiac type; minus strand). Cytogenetic location: 1q32.1.
Variant type: single nucleotide variant.
Coding change: c.25G>C on transcript NM_001276345.2 (MANE Select); coding-DNA position 25, G replaced by C.
Protein change: p.Glu9Gln; replaces glutamic acid 9 with glutamine.
Molecular consequence: missense variant.
Genome position (GRCh38, 1-based): chr1:201,373,230, C>G on the plus strand (G>C on the coding strand, the complement: TNNT2 is on the minus strand). VCF-style: chr1-201373230-C-G. GRCh37 (hg19) VCF-style: chr1-201342358-C-G.
Other names: c.25G>C, p.Glu9Gln (NM_000364.4, NM_001001430.3, NM_001001431.3 and 9 more transcripts); short protein forms E9Q.
Identifiers: ClinVar variation 3386123 (VCV003386123.1).
Genomic context (GRCh38, chr1:201,373,230, plus strand): 5'-GGCGGGAGAGGACCCCACTCAGGCAAGATGCTCCAGATACTCACTCCTCCTCGTACTCTT[C>G]CACCACCTCTTCTATGTCAGACATGGTCTCTGCTCTCCCTCCAAAAGGAGAAAAAAGTCA-3'
Protein context (NP_001263274.1, residues 1-19): MSDIEEVV[Glu9Gln]EYEEEEQEEA